The following is an entry in ClinVar:

NM_020461.4(TUBGCP6):c.1594T>C (p.Tyr532His)

Gene: TUBGCP6 (tubulin gamma complex component 6; minus strand). Cytogenetic location: 22q13.33.
Variant type: single nucleotide variant.
Coding change: c.1594T>C on transcript NM_020461.4 (MANE Select); coding-DNA position 1594, T replaced by C.
Protein change: p.Tyr532His; replaces tyrosine 532 with histidine.
Molecular consequence: missense variant.
Genome position (GRCh38, 1-based): chr22:50,226,740, A>G on the plus strand (T>C on the coding strand, the complement: TUBGCP6 is on the minus strand). VCF-style: chr22-50226740-A-G. GRCh37 (hg19) VCF-style: chr22-50665169-A-G.
Other names: short protein forms Y532H.
Identifiers: ClinVar variation 2438442 (VCV002438442.4), dbSNP rs754086944, ClinGen allele CA10308618.

ClinVar aggregate classification (germline): Uncertain significance. Review status: criteria provided, multiple submitters, no conflicts (2 of 4 stars). 2 submissions from 2 submitters: Uncertain significance (2). Last evaluated 2025-03-07.

Conditions:
Microcephaly and chorioretinopathy 1. Also called: Microcephaly and chorioretinopathy, autosomal recessive, 1. Identifiers: MedGen C3278481, MONDO:0009624, OMIM 251270.

Allele frequency attached by ClinVar (database versions not stated): gnomAD exomes below 0.00001; ExAC 0.00006.
gnomAD v4.1: 4 of 1,581,980 alleles (0.00025%); highest among the groups gnomAD compares: South Asian, 0.0046%; no homozygotes.

Submissions (2):

Labcorp Genetics (formerly Invitae), Labcorp
Classification: Uncertain significance. Last evaluated: 2025-03-07. Review status: criteria provided, single submitter. Criteria: Invitae Variant Classification Sherloc (09022015). Collection method: clinical testing. Allele origin: germline.
Comment: This sequence change replaces tyrosine, which is neutral and polar, with histidine, which is basic and polar, at codon 532 of the TUBGCP6 protein (p.Tyr532His). The frequency data for this variant in the population databases is considered unreliable, as metrics indicate poor data quality at this position in the gnomAD database. This variant has not been reported in the literature in individuals affected with TUBGCP6-related conditions. ClinVar contains an entry for this variant (Variation ID: 2438442). An algorithm developed to predict the effect of missense changes on protein structure and function (PolyPhen-2) suggests that this variant is likely to be disruptive. In summary, the available evidence is currently insufficient to determine the role of this variant in disease. Therefore, it has been classified as a Variant of Uncertain Significance.

Revvity Omics, Revvity
Classification: Uncertain significance for Microcephaly and chorioretinopathy 1. Last evaluated: 2021-06-18. Review status: criteria provided, single submitter. Criteria: ACMG Guidelines, 2015. Collection method: clinical testing. Allele origin: germline.